The following is an entry in ClinVar:

ClinVar aggregate classification (germline): drug response. Review status: reviewed by expert panel (3 of 4 stars). 20 submissions from 14 submitters: drug response (7). 13 of the submissions do not count toward it. Last evaluated 2021-03-24.

Conditions:
RYR1-related disorder. Also called: RYR1-related condition; RYR1-related disorders. Identifiers: MedGen CN239331.
Malignant hyperthermia of anesthesia. Also called: Anesthesic-triggered malignant hyperthermia. Identifiers: Orphanet 423, MedGen C0024591, MONDO:0018493, HP:0034733.
Malignant hyperthermia, susceptibility to, 1 (MHS1). Also called: RYR1-Related Malignant Hyperthermia Susceptibility; Malignant hyperthermia suceptibility 1; Anesthesia related hyperthermia; Malignant hyperpyrexia; Fulminating hyperpyrexia; Pharmacogenic myopathy. Identifiers: Orphanet 423, MedGen C2930980, MONDO:0007783, OMIM 145600.
sevoflurane response - Toxicity.
succinylcholine response - Toxicity.
desflurane response - Toxicity.
enflurane response - Toxicity.
halothane response - Toxicity.
isoflurane response - Toxicity.
methoxyflurane response - Toxicity.

Allele frequency attached by ClinVar (database versions not stated): ExAC 0.00001; gnomAD exomes 0.00001.
gnomAD v4.1: 8 of 1,613,910 alleles (0.0005%); highest among the groups gnomAD compares: Non-Finnish European, 0.00068%; no homozygotes.

Submissions 1 to 12 of 20:

ClinPGx
Classification: drug response for desflurane response - Toxicity. Last evaluated: 2021-03-24. Review status: reviewed by expert panel. Criteria: Pharmacogenomics knowledge for personalized medicine. Collection method: curation. Allele origin: germline. Affected: yes.
Comment: PharmGKB Level of Evidence 1A: Level 1A clinical annotations describe variant-drug combinations that have variant-specific prescribing guidance available in a current clinical guideline annotation or an FDA-approved drug label annotation. Annotations of drug labels or clinical guidelines must give prescribing guidance for specific variants (e.g. CYP2C9*3, HLA-B*57:01) or provide mapping from defined allele functions to diplotypes and phenotypes to be used as supporting evidence for a level 1A clinical annotation. Level 1A clinical annotations must also be supported by at least one publication in addition to a clinical guideline or drug label with variant-specific prescribing guidance.

Drug is not necessarily used to treat response condition

ClinPGx
Classification: drug response for enflurane response - Toxicity. Last evaluated: 2021-03-24. Review status: reviewed by expert panel. Criteria: Pharmacogenomics knowledge for personalized medicine. Collection method: curation. Allele origin: germline. Affected: yes.
Comment: the same text as in the submission from ClinPGx above.

ClinPGx
Classification: drug response for halothane response - Toxicity. Last evaluated: 2021-03-24. Review status: reviewed by expert panel. Criteria: Pharmacogenomics knowledge for personalized medicine. Collection method: curation. Allele origin: germline. Affected: yes.
Comment: the same text as in the submission from ClinPGx above.

ClinPGx
Classification: drug response for isoflurane response - Toxicity. Last evaluated: 2021-03-24. Review status: reviewed by expert panel. Criteria: Pharmacogenomics knowledge for personalized medicine. Collection method: curation. Allele origin: germline. Affected: yes.
Comment: the same text as in the submission from ClinPGx above.

ClinPGx
Classification: drug response for methoxyflurane response - Toxicity. Last evaluated: 2021-03-24. Review status: reviewed by expert panel. Criteria: Pharmacogenomics knowledge for personalized medicine. Collection method: curation. Allele origin: germline. Affected: yes.
Comment: the same text as in the submission from ClinPGx above.

ClinPGx
Classification: drug response for sevoflurane response - Toxicity. Last evaluated: 2021-03-24. Review status: reviewed by expert panel. Criteria: Pharmacogenomics knowledge for personalized medicine. Collection method: curation. Allele origin: germline. Affected: yes.
Comment: the same text as in the submission from ClinPGx above.

ClinPGx
Classification: drug response for succinylcholine response - Toxicity. Last evaluated: 2021-03-24. Review status: reviewed by expert panel. Criteria: Pharmacogenomics knowledge for personalized medicine. Collection method: curation. Allele origin: germline. Affected: yes.
Comment: the same text as in the submission from ClinPGx above.

OLLIN Analises Genomicas, OLLIN
Classification: Likely pathogenic for Malignant hyperthermia, susceptibility to, 1. Last evaluated: 2026-08-06. Review status: criteria provided, single submitter. Criteria: ACMG Guidelines 2015 PMID 25741868. Collection method: clinical testing. Allele origin: germline. Inheritance: Autosomal dominant inheritance. Not counted in ClinVar's aggregate classification.
Comment: This missense variant, located in exon 46 (of 106), has been reported in ClinVar (accession VCV000590585.6), in gnomAD with an allele frequency of 0.0005%, and in the scientific literature, segregating with the phenotype, in individuals with RYR1 related disorders (PMID: 21118704, 30236257, 16163667, 22415532, 9450902, 16732084, 21157159, 27586648, 12732639). Functional studies suggest that this variant may affect protein function, and in silico analysis predicts a deleterious effect (PMID: 21118704). According to the currently available evidence, this variant has been classified as likely pathogenic (PS3_M, PS4, PP1_S, PP3_M).

CeGaT Center for Human Genetics Tuebingen
Classification: Pathogenic. Last evaluated: 2026-06-01. Review status: criteria provided, single submitter. Criteria: CeGaT Center For Human Genetics Tuebingen Variant Classification Criteria Version 2. Collection method: clinical testing. Allele origin: germline. Affected: yes. Observed: 1 variant allele. Not counted in ClinVar's aggregate classification.
Comment: RYR1: PS4, PM1, PM2, PM5, PP1:Moderate, PP3, PS3:Supporting

Labcorp Genetics (formerly Invitae), Labcorp
Classification: Pathogenic for RYR1-related disorder. Last evaluated: 2025-11-23. Review status: criteria provided, single submitter. Criteria: Invitae Variant Classification Sherloc (09022015). Collection method: clinical testing. Allele origin: germline. Not counted in ClinVar's aggregate classification.
Comment: This sequence change replaces arginine, which is basic and polar, with histidine, which is basic and polar, at codon 2458 of the RYR1 protein (p.Arg2458His). This variant is present in population databases (rs121918594, gnomAD 0.006%). This missense change has been observed in individuals with autosomal dominant malignant hyperthermia (PMID: 9450902, 12700608, 16732084, 18564801, 19648156, 22415532, 30236257). It has also been observed to segregate with disease in related individuals. This variant has been reported in individual(s) with autosomal recessive arthrogyrposis multiplex congenita (PMID: 24319099); however, the role of the variant in this condition is currently unclear. ClinVar contains an entry for this variant (Variation ID: 12972). Invitae Evidence Modeling of protein sequence and biophysical properties (such as structural, functional, and spatial information, amino acid conservation, physicochemical variation, residue mobility, and thermodynamic stability) indicates that this missense variant is expected to disrupt RYR1 protein function with a positive predictive value of 80%. Experimental studies have shown that this missense change affects RYR1 function (PMID: 9334205, 9873004, 12732639, 27586648). For these reasons, this variant has been classified as Pathogenic.

Color Diagnostics, LLC DBA Color Health
Classification: Likely pathogenic for Malignant hyperthermia, susceptibility to, 1. Last evaluated: 2025-07-14. Review status: criteria provided, single submitter. Criteria: ACMG Guidelines, 2015. Collection method: clinical testing. Allele origin: germline. Not counted in ClinVar's aggregate classification.
Comment: This missense variant replaces arginine with histidine at codon 2458 of the RYR1 protein. Computational prediction suggests that this variant may have deleterious impact on protein structure and function. Functional studies in myotubes and HEK293 cells have shown this variant causes increased sensitivity to caffeine and/or 4-CmC in comparison to wild-type RYR1 (PMID: 12732639, 27586648). This variant has been reported in at least 20 families and individuals affected with malignant hyperthermia susceptibility (PMID: 14985404, 16732084, 18564801, 19648156, 22415532, 30236257, 9450902). This variant has been identified in 2/251238 chromosomes in the general population by the Genome Aggregation Database (gnomAD). Based on the available evidence, this variant is classified as Likely Pathogenic.

All of Us Research Program, National Institutes of Health
Classification: Likely pathogenic for Malignant hyperthermia, susceptibility to, 1. Last evaluated: 2023-06-26. Review status: criteria provided, single submitter. Criteria: ACMG Guidelines, 2015. Collection method: clinical testing. Allele origin: germline. Inheritance: Autosomal dominant inheritance. Observed: 1 variant allele, 1 heterozygote. Not counted in ClinVar's aggregate classification.
Comment: This missense variant replaces arginine with histidine at codon 2458 of the RYR1 protein. Computational prediction suggests that this variant may have deleterious impact on protein structure and function (internally defined REVEL score threshold >= 0.7, PMID: 27666373). Functional studies in myotubes and HEK293 cells have shown this variant causes increased sensitivity to caffeine and/or 4-CmC in comparison to wild-type RYR1 (PMID: 12732639, 27586648). This variant has been reported in at least 20 families and individuals affected with malignant hyperthermia susceptibility (PMID: 14985404, 16732084, 18564801, 19648156, 22415532, 30236257, 9450902). This variant has been identified in 2/251238 chromosomes in the general population by the Genome Aggregation Database (gnomAD). Based on the available evidence, this variant is classified as Likely Pathogenic.

This study involves interpretation of variants in research participants for the purpose of population health screening. Participant phenotype was not available at the time of variant classification. Additional details can be found in publication PMID: 35346344, PMCID: PMC8962531

NM_000540.3(RYR1):c.7373G>A (p.Arg2458His)

Gene: RYR1 (ryanodine receptor 1; plus strand). Cytogenetic location: 19q13.2.
Variant type: single nucleotide variant.
Coding change: c.7373G>A on transcript NM_000540.3 (MANE Select); coding-DNA position 7373, G replaced by A.
Protein change: p.Arg2458His; replaces arginine 2458 with histidine.
Molecular consequence: missense variant.
Genome position (GRCh38, 1-based): chr19:38,500,655, G>A. VCF-style: chr19-38500655-G-A. GRCh37 (hg19) VCF-style: chr19-38991295-G-A.
Other names: c.7373G>A, p.Arg2458His (NM_001042723.2); short protein forms R2458H.
Identifiers: ClinVar variation 12972 (VCV000012972.27), dbSNP rs121918594, ClinGen allele CA024787.